The following is an entry in ClinVar:

NM_005267.5(GJA8):c.116C>G (p.Thr39Arg)

Gene: GJA8 (gap junction protein alpha 8; plus strand). Cytogenetic location: 1q21.2.
Variant type: single nucleotide variant.
Coding change: c.116C>G on transcript NM_005267.5 (MANE Select); coding-DNA position 116, C replaced by G.
Protein change: p.Thr39Arg; replaces threonine 39 with arginine.
Molecular consequence: missense variant.
Genome position (GRCh38, 1-based): chr1:147,908,071, C>G. VCF-style: chr1-147908071-C-G. GRCh37 (hg19) VCF-style: chr1-147380198-C-G.
Other names: short protein forms T39R.
Identifiers: ClinVar variation 3253710 (VCV003253710.1), dbSNP rs2524888892.
Genomic context (GRCh38, chr1:147,908,071, plus strand): 5'-CCGTCATCGGCAGAGTCTGGCTCACCGTGCTTTTCATCTTCCGGATCCTCATCCTTGGCA[C>G]GGCCGCAGAGTTCGTGTGGGGGGATGAGCAATCCGACTTCGTGTGCAACACCCAGCAGCC-3'
Protein context (NP_005258.2, residues 29-49): LFIFRILILG[Thr39Arg]AAEFVWGDEQ

ClinVar aggregate classification (germline): Uncertain significance (1 of 4 stars; one submission).

Conditions:
Cataract 1 multiple types. Also called: CATARACT, DUFFY-LINKED; CATARACT 1, POSTERIOR SUBCAPSULAR, WITH MICROCORNEA; CATARACT 1, STELLATE NUCLEAR, WITH MICROCORNEA; CATARACT 1, MULTIPLE TYPES, WITH OR WITHOUT MICROCORNEA; CATARACT 1, NUCLEAR PROGRESSIVE; CATARACT 1 WITH MICROCORNEA. Identifiers: Orphanet 1377, MedGen C1861828, MONDO:0007285, OMIM 116200.

Submission:

Dept. Genetics and Cancer, Menzies Institute for Medical Research, University of Tasmania
Classification: Uncertain significance for Cataract 1 multiple types. Last evaluated: 2023-01-21. Review status: criteria provided, single submitter. Criteria: ACMG Guidelines, 2015. Collection method: curation. Allele origin: germline. Affected: yes.
Comment: Variant identified and curated during a GJA8 specific review of the literature in relation to pediatric or congenital cataract. ACMG-AMP criteria applied: PS4(Supporting), PM1(Supporting), PM2(Supporting), PP3. Original variant report: PMID:21686328;29464339. The cataract phenotype reported for this variant is: Total. Additional phenotype/s reported in these individual/s are: microcornea and iris hypoplasia, and Microphthalmia, corneal opacification, right phthisis, left atrophic optic disc secondary to glaucoma. Gene review and curation guidelines are outlined in: DOI 10.1080/17469899.2023.2160320

Literature cited by the submitters: PubMed 21686328; PubMed 29464339.